The following is an entry in ClinVar:

ClinVar aggregate classification (germline): Likely benign. Review status: criteria provided, single submitter (1 of 4 stars). 2 submissions from 2 submitters: Likely benign (1). 1 of the submissions does not count toward it. Last evaluated 2026-09-03.

Conditions:
CIC-related disorder. Also called: CIC-related condition.

Allele frequency attached by ClinVar (database versions not stated): gnomAD 0.00001; TOPMed 0.00001; ExAC 0.00002.
gnomAD v4.1: 50 of 1,613,504 alleles (0.0031%); highest among the groups gnomAD compares: Non-Finnish European, 0.0042%; no homozygotes.

Submissions (2):

PreventionGenetics, part of Exact Sciences
Classification: Likely benign for CIC-related condition. Last evaluated: 2026-09-03. Review status: criteria provided, single submitter. Criteria: ACMG Guidelines, 2015. Collection method: clinical testing. Allele origin: germline.
Comment: This variant is classified as likely benign based on ACMG/AMP sequence variant interpretation guidelines (Richards et al. 2015 PMID: 25741868, with internal and published modifications).

Department of Pathology and Laboratory Medicine, Sinai Health System
Classification: Likely benign. Review status: no assertion criteria provided. Collection method: clinical testing. Allele origin: unknown. Affected: yes. Study: The Canadian Open Genetics Repository (COGR). Not counted in ClinVar's aggregate classification.
Comment: The CIC p.Pro1484Thr variant was not identified in the literature nor was it identified in ClinVar or LOVD 3.0. The variant was identified in dbSNP (ID: rs768052540) and in control databases in 8 of 249514 chromosomes at a frequency of 0.00003206 (Genome Aggregation Database March 6, 2019, v2.1.1). The variant was observed in the following populations: African in 1 of 15468 chromosomes (freq: 0.000065) and European (non-Finnish) in 7 of 112828 chromosomes (freq: 0.000062), but was not observed in the Latino, Ashkenazi Jewish, East Asian, European (Finnish), Other, or South Asian populations. The p.Pro1484 residue is not conserved in mammals and computational analyses (SIFT, AlignGVGD, BLOSUM, MutationTaster) do not suggest a high likelihood of impact to the protein; however, this information is not predictive enough to rule out pathogenicity. The variant occurs outside of the splicing consensus sequence and in silico or computational prediction software programs (SpliceSiteFinder, MaxEntScan, NNSPLICE, GeneSplicer) do not predict a difference in splicing. Variants in the CIC gene are associated with rare autosomal dominant mental retardation 45 (MIM: 617600). In summary, based on the above information the clinical significance of this variant cannot be determined with certainty at this time although we would lean towards a more benign role for this variant. This variant is classified as likely benign.

NM_001386298.1(CIC):c.4450C>A (p.Pro1484Thr)

Gene: CIC (capicua transcriptional repressor; plus strand). Cytogenetic location: 19q13.2.
Variant type: single nucleotide variant.
Coding change: c.4450C>A on transcript NM_001386298.1 (MANE Select); coding-DNA position 4450, C replaced by A.
Protein change: p.Pro1484Thr; replaces proline 1484 with threonine.
Molecular consequence: missense variant.
Genome position (GRCh38, 1-based): chr19:42,290,491, C>A. VCF-style: chr19-42290491-C-A. GRCh37 (hg19) VCF-style: chr19-42794643-C-A.
Other names: c.4450C>A, p.Pro1484Thr (NM_001304815.2, NM_001379480.1, NM_001379482.1); c.1723C>A, p.Pro575Thr (NM_001379484.1, NM_001379485.1, NM_015125.5); c.1723C>A (NM_015125.4); short protein forms P1484T, P575T.
Identifiers: ClinVar variation 1049647 (VCV001049647.2), dbSNP rs768052540, ClinGen allele CA9472089.